The following is an entry in ClinVar:

ClinVar aggregate classification (germline): Uncertain significance (1 of 4 stars; one submission).

Conditions:
Inborn genetic diseases. Identifiers: MedGen C0950123, MeSH D030342.

Submission:

Ambry Genetics
Classification: Uncertain significance for Inborn genetic diseases. Last evaluated: 2024-12-07. Review status: criteria provided, single submitter. Criteria: Ambry Variant Classification Scheme 2023. Collection method: clinical testing. Allele origin: germline.
Comment: The p.V336I variant (also known as c.1006G>A), located in coding exon 9 of the CEP57 gene, results from a G to A substitution at nucleotide position 1006. The valine at codon 336 is replaced by isoleucine, an amino acid with highly similar properties. This amino acid position is conserved. In addition, this alteration is predicted to be tolerated by in silico analysis. Based on the available evidence, the clinical significance of this variant remains unclear.

NM_014679.5(CEP57):c.1006G>A (p.Val336Ile)

Gene: CEP57 (centrosomal protein 57; plus strand). Cytogenetic location: 11q21.
Variant type: single nucleotide variant.
Coding change: c.1006G>A on transcript NM_014679.5 (MANE Select); coding-DNA position 1006, G replaced by A.
Protein change: p.Val336Ile; replaces valine 336 with isoleucine.
Molecular consequence: missense variant.
Genome position (GRCh38, 1-based): chr11:95,827,906, G>A. VCF-style: chr11-95827906-G-A. GRCh37 (hg19) VCF-style: chr11-95561070-G-A.
Other names: c.979G>A, p.Val327Ile (NM_001243776.2); c.928G>A, p.Val310Ile (NM_001243777.2); c.925G>A, p.Val309Ile (NM_001363604.2); short protein forms V327I, V310I, V336I, V309I.
Identifiers: ClinVar variation 3490852 (VCV003490852.1).